The following is an entry in ClinVar:

NM_003193.5(TBCE):c.1397C>G (p.Pro466Arg)

Genes: B3GALNT2 (beta-1,3-N-acetylgalactosaminyltransferase 2; minus strand), TBCE (tubulin folding cofactor E; plus strand), LOC126806060 (MED14-independent group 3 enhancer GRCh37_chr1:235605546-235606745; plus strand). Cytogenetic location: 1q42.3.
Variant type: single nucleotide variant.
Coding change: c.1397C>G on transcript NM_003193.5 (MANE Select); coding-DNA position 1397, C replaced by G.
Protein change: p.Pro466Arg; replaces proline 466 with arginine.
Molecular consequence: missense variant.
Genome position (GRCh38, 1-based): chr1:235,442,909, C>G. VCF-style: chr1-235442909-C-G. GRCh37 (hg19) VCF-style: chr1-235606224-C-G.
Other names: c.1397C>G, p.Pro466Arg (NM_001079515.3); c.1550C>G, p.Pro517Arg (NM_001287801.2); c.1058C>G, p.Pro353Arg (NM_001287802.2); short protein forms P466R, P517R, P353R.
Identifiers: ClinVar variation 1470926 (VCV001470926.6), dbSNP rs114972093, ClinGen allele CA1464444.

ClinVar aggregate classification (germline): Uncertain significance (1 of 4 stars; one submission).

gnomAD v4.1: 2 of 1,614,016 alleles (0.00012%); highest among the groups gnomAD compares: Admixed American, 0.0033%; no homozygotes.

Submission:

Labcorp Genetics (formerly Invitae), Labcorp
Classification: Uncertain significance. Last evaluated: 2025-06-23. Review status: criteria provided, single submitter. Criteria: Invitae Variant Classification Sherloc (09022015). Collection method: clinical testing. Allele origin: germline.
Comment: This sequence change replaces proline, which is neutral and non-polar, with arginine, which is basic and polar, at codon 466 of the TBCE protein (p.Pro466Arg). This variant is present in population databases (rs114972093, gnomAD 0.003%). This variant has not been reported in the literature in individuals affected with TBCE-related conditions. ClinVar contains an entry for this variant (Variation ID: 1470926). An algorithm developed to predict the effect of missense changes on protein structure and function (PolyPhen-2) suggests that this variant is likely to be disruptive. In summary, the available evidence is currently insufficient to determine the role of this variant in disease. Therefore, it has been classified as a Variant of Uncertain Significance.